The following continues an entry in ClinVar:

NM_025114.4(CEP290):c.5998A>G (p.Ile2000Val)

Gene: CEP290. ClinVar aggregate classification (germline): Uncertain significance. Uncertain significance (1).

Submissions 13 to 17 of 17:

Ambry Genetics
Classification: Uncertain significance for Inborn genetic diseases. Last evaluated: 2015-04-08. Review status: criteria provided, single submitter. Criteria: Ambry exome assertion method (8-5-2015). Collection method: clinical testing. Allele origin: germline. Affected: yes. Observed: 1 variant allele. Not counted in ClinVar's aggregate classification.

Breakthrough Genomics
Classification: Uncertain significance. Review status: criteria provided, single submitter. Criteria: ACMG Guidelines, 2015. Collection method: not provided. Allele origin: germline. Inheritance: Autosomal recessive inheritance. Affected: yes. Not counted in ClinVar's aggregate classification.

Institute of Human Genetics, Univ. Regensburg, Univ. Regensburg
Classification: Uncertain significance for Retinal dystrophy. Last evaluated: 2022-01-01. Review status: no assertion criteria provided. Criteria: ACMG Guidelines, 2015. Collection method: clinical testing. Allele origin: germline. Affected: yes. Not counted in ClinVar's aggregate classification.

Natera, Inc.
Classification: Uncertain significance for Leber congenital amaurosis. Last evaluated: 2020-04-17. Review status: no assertion criteria provided. Collection method: clinical testing. Allele origin: germline. Not counted in ClinVar's aggregate classification.

Department of Pathology and Laboratory Medicine, Sinai Health System
Classification: Uncertain significance. Review status: no assertion criteria provided. Collection method: clinical testing. Allele origin: unknown. Affected: yes. Study: The Canadian Open Genetics Repository (COGR). Not counted in ClinVar's aggregate classification.
Comment: The CEP290 p.Ile2000Val variant was not identified in the literature but was identified in dbSNP (ID: rs183071230), ClinVar (classified as uncertain significance by Illumina, EGL Genetic Diagnostics, and Fulgent Genetics), and LOVD 3.0 (variant effect not shared). The variant was identified in control databases in 47 of 273358 chromosomes at a frequency of 0.0001719 (Genome Aggregation Database March 6, 2019, v2.1.1). The variant was observed in the following populations: European (non-Finnish) in 44 of 125324 chromosomes (freq: 0.000351), South Asian in 2 of 28942 chromosomes (freq: 0.000069) and Latino in 1 of 34100 chromosomes (freq: 0.000029), but was not observed in the African, Ashkenazi Jewish, East Asian, European (Finnish), or Other populations. The p.Ile2000 residue is conserved in mammals but not in more distantly related organisms however four out of five computational analyses (PolyPhen-2, SIFT, AlignGVGD, BLOSUM, MutationTaster) do not suggest a high likelihood of impact to the protein; this information is not predictive enough to rule out pathogenicity. The variant occurs outside of the splicing consensus sequence and in silico or computational prediction software programs (SpliceSiteFinder, MaxEntScan, NNSPLICE, GeneSplicer) do not predict a difference in splicing. In summary, based on the above information the clinical significance of this variant cannot be determined with certainty at this time. This variant is classified as a variant of uncertain significance.